The following is an entry in ClinVar:

NM_016341.4(PLCE1):c.960G>A (p.Glu320=)

Gene: PLCE1 (phospholipase C epsilon 1; plus strand). Cytogenetic location: 10q23.33.
Variant type: single nucleotide variant.
Coding change: c.960G>A on transcript NM_016341.4 (MANE Select); coding-DNA position 960, G replaced by A.
Protein change: p.Glu320=; no amino-acid change (glutamic acid 320 retained).
Molecular consequence: synonymous variant.
Genome position (GRCh38, 1-based): chr10:94,032,006, G>A. VCF-style: chr10-94032006-G-A. GRCh37 (hg19) VCF-style: chr10-95791763-G-A.
Other names: p.Glu320=; c.960G>A, p.Glu320= (NM_001288989.2).
Identifiers: ClinVar variation 260734 (VCV000260734.24), dbSNP rs17109674, ClinGen allele CA5612211.

ClinVar aggregate classification (germline): Benign. Review status: criteria provided, multiple submitters, no conflicts (2 of 4 stars). 12 submissions from 12 submitters: Benign (10). 2 of the submissions do not count toward it. Last evaluated 2026-02-01.

Conditions:
Nephrotic syndrome, type 3 (NPHS3). Also called: NEPHROTIC SYNDROME, EARLY-ONSET, TYPE 3. Identifiers: Orphanet 656, MedGen C1853124, MONDO:0012546, OMIM 610725.

Allele frequency attached by ClinVar (database versions not stated): gnomAD exomes 0.26704 and 0.27787; ExAC 0.28604; ESP Exome Variant Server 0.31824; TOPMed 0.32373; gnomAD 0.32407 and 0.32451; 1000 Genomes Project 30x 0.37383; 1000 Genomes Project 0.37819.
gnomAD v4.1: 440,137 of 1,612,982 alleles (27%); highest among the groups gnomAD compares: African/African-American, 48%; 63,676 homozygotes.

Submissions (12):

Labcorp Genetics (formerly Invitae), Labcorp
Classification: Benign. Last evaluated: 2026-02-01. Review status: criteria provided, single submitter. Criteria: Invitae Variant Classification Sherloc (09022015). Collection method: clinical testing. Allele origin: germline.

Blueprint Genetics
Classification: Benign. Last evaluated: 2024-11-27. Review status: criteria provided, single submitter. Criteria: ACMG Guidelines, 2015. Collection method: clinical testing. Allele origin: germline.

Unidad de Genómica Garrahan, Hospital de Pediatría Garrahan
Classification: Benign. Last evaluated: 2024-07-15. Review status: criteria provided, single submitter. Criteria: ACMG Guidelines, 2015. Collection method: clinical testing. Allele origin: germline. Affected: no. Observed: 28 variant alleles.
Comment: This variant is classified as Benign based on local population frequency. This variant was detected in 30% of patients studied in a panel designed for Epileptic and Developmental Encephalopathy and Progressive Myoclonus Epilepsy. Number of patients: 28. Only high quality variants are reported.

Mayo Clinic Laboratories, Mayo Clinic
Classification: Benign. Last evaluated: 2022-03-09. Review status: criteria provided, single submitter. Criteria: ACMG Guidelines, 2015. Collection method: clinical testing. Allele origin: germline. Observed: 79 variant alleles.

GeneDx
Classification: Benign. Last evaluated: 2019-12-18. Review status: criteria provided, single submitter. Criteria: GeneDx Variant Classification Process June 2021. Collection method: clinical testing. Allele origin: germline. Affected: yes.

Illumina Laboratory Services, Illumina
Classification: Benign for Nephrotic syndrome, type 3. Last evaluated: 2018-01-12. Review status: criteria provided, single submitter. Criteria: ICSL Variant Classification Criteria 13 December 2019. Collection method: clinical testing. Allele origin: germline.
Comment: This variant was observed in the ICSL laboratory as part of a predisposition screen in an ostensibly healthy population. It had not been previously curated by ICSL or reported in the Human Gene Mutation Database (HGMD: prior to June 1st, 2018), and was therefore a candidate for classification through an automated scoring system. Utilizing variant allele frequency, disease prevalence and penetrance estimates, and inheritance mode, an automated score was calculated to assess if this variant is too frequent to cause the disease. Based on the score and internal cut-off values, a variant classified as benign is not then subjected to further curation. The score for this variant resulted in a classification of benign for this disease.

Genome Diagnostics Laboratory, University Medical Center Utrecht
Classification: Benign for Nephrotic syndrome, type 3. Last evaluated: 2017-07-28. Review status: criteria provided, single submitter. Criteria: ACGS Guidelines, 2013. Collection method: clinical testing. Allele origin: germline. Affected: yes. Study: VKGL Data-share Consensus.

Athena Diagnostics
Classification: Benign. Last evaluated: 2017-03-31. Review status: criteria provided, single submitter. Criteria: Athena Diagnostics Criteria. Collection method: clinical testing. Allele origin: germline.

Breakthrough Genomics
Classification: Benign. Review status: criteria provided, single submitter. Criteria: ACMG Guidelines, 2015. Collection method: not provided. Allele origin: germline. Inheritance: Autosomal recessive inheritance. Affected: yes.

PreventionGenetics, part of Exact Sciences
Classification: Benign. Review status: criteria provided, single submitter. Criteria: ACMG Guidelines, 2015. Collection method: clinical testing. Allele origin: germline.

Diagnostic Laboratory, Department of Genetics, University Medical Center Groningen
Classification: Benign for Nephrotic syndrome, type 3. Review status: no assertion criteria provided. Collection method: clinical testing. Allele origin: germline. Affected: yes. Study: VKGL Data-share Consensus. Not counted in ClinVar's aggregate classification.

Joint Genome Diagnostic Labs from Nijmegen and Maastricht, Radboudumc and MUMC+
Classification: Benign. Review status: no assertion criteria provided. Collection method: clinical testing. Allele origin: germline. Affected: yes. Study: VKGL Data-share Consensus. Not counted in ClinVar's aggregate classification.